The following is an entry in ClinVar:

ClinVar aggregate classification (germline): Uncertain significance (1 of 4 stars; one submission).

Conditions:
Epilepsy, familial focal, with variable foci 3 (FFEVF3). Identifiers: MedGen C4310708, MONDO:0014925, OMIM 617118.

Submission:

Labcorp Genetics (formerly Invitae), Labcorp
Classification: Uncertain significance for Epilepsy, familial focal, with variable foci 3. Last evaluated: 2022-03-13. Review status: criteria provided, single submitter. Criteria: Invitae Variant Classification Sherloc (09022015). Collection method: clinical testing. Allele origin: germline.
Comment: In summary, the available evidence is currently insufficient to determine the role of this variant in disease. Therefore, it has been classified as a Variant of Uncertain Significance. Experimental studies and prediction algorithms are not available or were not evaluated, and the functional significance of this variant is currently unknown. ClinVar contains an entry for this variant (Variation ID: 1015443). This variant has not been reported in the literature in individuals affected with NPRL3-related conditions. This variant is not present in population databases (gnomAD no frequency). This sequence change replaces leucine, which is neutral and non-polar, with arginine, which is basic and polar, at codon 478 of the NPRL3 protein (p.Leu478Arg).

NM_001077350.3(NPRL3):c.1433T>G (p.Leu478Arg)

Genes: HBA-LCR (alpha-globin locus control region; plus strand), NPRL3 (NPR3 like, GATOR1 complex subunit; minus strand). Cytogenetic location: 16p13.3.
Variant type: single nucleotide variant.
Coding change: c.1433T>G on transcript NM_001077350.3 (MANE Select); coding-DNA position 1433, T replaced by G.
Protein change: p.Leu478Arg; replaces leucine 478 with arginine.
Molecular consequence: missense variant.
Genome position (GRCh38, 1-based): chr16:88,809, A>C on the plus strand (T>G on the coding strand, the complement: NPRL3 is on the minus strand). VCF-style: chr16-88809-A-C. GRCh37 (hg19) VCF-style: chr16-138807-A-C.
Other names: c.896T>G, p.Leu299Arg (NM_001039476.3); c.1199T>G, p.Leu400Arg (NM_001243247.2); c.1358T>G, p.Leu453Arg (NM_001243248.2, NM_001243249.2); short protein forms L453R, L478R, L299R, L400R.
Identifiers: ClinVar variation 1015443 (VCV001015443.8), dbSNP rs774394208, ClinGen allele CA276457582.